The following is an entry in ClinVar:

ClinVar aggregate classification (germline): Likely pathogenic. Review status: criteria provided, single submitter (1 of 4 stars). 2 submissions from 2 submitters: Likely pathogenic (1). 1 of the submissions does not count toward it. Last evaluated 2024-08-06.

Conditions:
Tuberous sclerosis syndrome (TSC). Also called: Tuberous Sclerosis Complex; Tuberous sclerosis. Identifiers: Orphanet 805, MedGen C0041341, MONDO:0001734.

Submissions (2):

GeneDx
Classification: Likely pathogenic. Last evaluated: 2024-08-06. Review status: criteria provided, single submitter. Criteria: GeneDx Variant Classification Process June 2021. Collection method: clinical testing. Allele origin: germline. Affected: yes.
Comment: In silico analysis supports that this missense variant has a deleterious effect on protein structure/function; In silico analysis suggests this variant may impact gene splicing. In the absence of RNA studies, the actual effect of this sequence change is unknown.; Not observed at significant frequency in large population cohorts (gnomAD); This variant is associated with the following publications: (PMID: 18466115, 18854862, 27406250, 21309039)

Tuberous sclerosis database (TSC2)
No classification provided. Condition: TSC. Review status: no classification provided. Criteria: Tuberous Sclerosis Database Assertion Criteria 2015. Collection method: curation. Allele origin: germline. Affected: yes. Not counted in ClinVar's aggregate classification.

NM_000548.5(TSC2):c.4700G>T (p.Gly1567Val)

Gene: TSC2 (TSC complex subunit 2; plus strand). Cytogenetic location: 16p13.3.
Variant type: single nucleotide variant.
Coding change: c.4700G>T on transcript NM_000548.5 (MANE Select); coding-DNA position 4700, G replaced by T.
Protein change: p.Gly1567Val; replaces glycine 1567 with valine.
Molecular consequence: missense variant.
Genome position (GRCh38, 1-based): chr16:2,086,230, G>T. VCF-style: chr16-2086230-G-T. GRCh37 (hg19) VCF-style: chr16-2136231-G-T.
Other names: c.4499G>T, p.Gly1500Val (NM_001077183.3); c.4631G>T, p.Gly1544Val (NM_001114382.3); c.4391G>T, p.Gly1464Val (NM_001318827.2); c.4355G>T, p.Gly1452Val (NM_001318829.2); c.3968G>T, p.Gly1323Val (NM_001318831.2); c.4532G>T, p.Gly1511Val (NM_001318832.2); c.4502G>T, p.Gly1501Val (NM_001363528.2); c.4568G>T, p.Gly1523Val (NM_001370404.1); and 1 more; short protein forms G1567V, G1452V, G1500V, G1544V, G1323V, G1501V, G1523V, G1524V.
Identifiers: ClinVar variation 65318 (VCV000065318.3), dbSNP rs45517364, ClinGen allele CA020919.
Genomic context (GRCh38, chr16:2,086,230, plus strand): 5'-CTGCCTCTCCCCTCTCCCCACAGAGCAACAGCGAGCTCGCCATCCTGTCCAATGAGCATG[G>T]CTCCTACAGGTACACGGAGTTCCTGACGGGCCTGGGCCGGCTCATCGAGCTGAAGGACTG-3'
Protein context (NP_000539.2, residues 1557-1577): SELAILSNEH[Gly1567Val]SYRYTEFLTG